The following is an entry in ClinVar:

ClinVar aggregate classification (germline): Likely benign (1 of 4 stars; one submission).

Submission:

CeGaT Center for Human Genetics Tuebingen
Classification: Likely benign. Last evaluated: 2024-11-01. Review status: criteria provided, single submitter. Criteria: CeGaT Center For Human Genetics Tuebingen Variant Classification Criteria Version 2. Collection method: clinical testing. Allele origin: germline. Affected: yes. Observed: 1 variant allele.
Comment: NFASC: BP4, BP7

NM_001005388.3(NFASC):c.1920C>T (p.Ala640=)

Gene: NFASC (neurofascin; plus strand). Cytogenetic location: 1q32.1.
Variant type: single nucleotide variant.
Coding change: c.1920C>T on transcript NM_001005388.3 (MANE Select); coding-DNA position 1920, C replaced by T.
Protein change: p.Ala640=; no amino-acid change (alanine 640 retained).
Molecular consequence: synonymous variant.
Genome position (GRCh38, 1-based): chr1:204,979,011, C>T. VCF-style: chr1-204979011-C-T. GRCh37 (hg19) VCF-style: chr1-204948139-C-T.
Other names: c.1953C>T, p.Ala651= (NM_001160331.2); c.1908C>T, p.Ala636= (NM_001160332.2, NM_001365986.1, NM_015090.4); c.1920C>T, p.Ala640= (NM_001378329.1).
Identifiers: ClinVar variation 3388749 (VCV003388749.14).